The following is an entry in ClinVar:

NM_000218.3(KCNQ1):c.1514+5389G>A

Genes: KCNQ1 (potassium voltage-gated channel subfamily Q member 1; plus strand), KCNQ1OT1 (KCNQ1 opposite strand/antisense transcript 1; minus strand). Cytogenetic location: 11p15.5.
Variant type: single nucleotide variant.
Coding change: c.1514+5389G>A on transcript NM_000218.3 (MANE Select); 5389 bases into the intron after coding-DNA position 1514, G replaced by A.
Molecular consequence: intron variant. On other transcripts: non-coding transcript variant (1).
Genome position (GRCh38, 1-based): chr11:2,667,470, G>A. VCF-style: chr11-2667470-G-A. GRCh37 (hg19) VCF-style: chr11-2688700-G-A.
Other names: c.1244+5389G>A (NM_001406837.1); c.1418+5389G>A (NM_001406836.1); c.974+5389G>A (NM_001406838.1); c.1133+5389G>A (NM_181798.2).
Identifiers: ClinVar variation 5039566 (VCV005039566.1).

ClinVar aggregate classification (germline): Likely benign (1 of 4 stars; one submission).

gnomAD v4.1: 191 of 398,554 alleles (0.048%); highest among the groups gnomAD compares: South Asian, 0.089%; no homozygotes.

Submission:

CeGaT Center for Human Genetics Tuebingen
Classification: Likely benign. Last evaluated: 2026-08-01. Review status: criteria provided, single submitter. Criteria: CeGaT Center For Human Genetics Tuebingen Variant Classification Criteria Version 2. Collection method: clinical testing. Allele origin: germline. Affected: yes. Observed: 2 variant alleles.
Comment: KCNQ1OT1: BS2